The following is an entry in ClinVar:

ClinVar aggregate classification (germline): Uncertain significance (1 of 4 stars; one submission).

Conditions:
Lafora disease. Also called: Progressive Myoclonus Epilepsy, Lafora Type; Epilepsy progressive myoclonic 2. Identifiers: Orphanet 501, MedGen C0751783, MONDO:0009697.

Allele frequency attached by ClinVar (database versions not stated): gnomAD 0.00001; TOPMed 0.00001; 1000 Genomes Project 30x 0.00016; 1000 Genomes Project 0.00020.
gnomAD v4.1: 4 of 1,613,956 alleles (0.00025%); highest among the groups gnomAD compares: East Asian, 0.0022%; no homozygotes.

Submission:

Labcorp Genetics (formerly Invitae), Labcorp
Classification: Uncertain significance for Lafora disease. Last evaluated: 2023-02-06. Review status: criteria provided, single submitter. Criteria: Invitae Variant Classification Sherloc (09022015). Collection method: clinical testing. Allele origin: germline.
Comment: In summary, the available evidence is currently insufficient to determine the role of this variant in disease. Therefore, it has been classified as a Variant of Uncertain Significance. Algorithms developed to predict the effect of missense changes on protein structure and function (SIFT, PolyPhen-2, Align-GVGD) all suggest that this variant is likely to be disruptive. This sequence change replaces valine, which is neutral and non-polar, with aspartic acid, which is acidic and polar, at codon 389 of the NHLRC1 protein (p.Val389Asp). This variant is present in population databases (rs562100142, gnomAD 0.007%). This variant has not been reported in the literature in individuals affected with NHLRC1-related conditions. ClinVar contains an entry for this variant (Variation ID: 1020456).

NM_198586.3(NHLRC1):c.1166T>A (p.Val389Asp)

Gene: NHLRC1 (NHL repeat containing E3 ubiquitin protein ligase 1; minus strand). Cytogenetic location: 6p22.3.
Variant type: single nucleotide variant.
Coding change: c.1166T>A on transcript NM_198586.3 (MANE Select); coding-DNA position 1166, T replaced by A.
Protein change: p.Val389Asp; replaces valine 389 with aspartic acid.
Molecular consequence: missense variant.
Genome position (GRCh38, 1-based): chr6:18,121,441, A>T on the plus strand (T>A on the coding strand, the complement: NHLRC1 is on the minus strand). VCF-style: chr6-18121441-A-T. GRCh37 (hg19) VCF-style: chr6-18121672-A-T.
Other names: short protein forms V389D.
Identifiers: ClinVar variation 1020456 (VCV001020456.9), dbSNP rs562100142, ClinGen allele CA134959756.